The following is an entry in ClinVar:

ClinVar aggregate classification (germline): Likely benign (1 of 4 stars; one submission).

gnomAD v4.1: 64 of 1,211,294 alleles (0.0053%); highest among the groups gnomAD compares: Non-Finnish European, 0.0069%; no homozygotes.

Submission:

CeGaT Center for Human Genetics Tuebingen
Classification: Likely benign. Last evaluated: 2024-11-01. Review status: criteria provided, single submitter. Criteria: CeGaT Center For Human Genetics Tuebingen Variant Classification Criteria Version 2. Collection method: clinical testing. Allele origin: germline. Affected: yes. Observed: 1 variant allele.
Comment: TLR8: BP4, BP7, BS2

NM_138636.5(TLR8):c.894C>T (p.Ser298=)

Genes: TLR8 (toll like receptor 8; plus strand), TLR8-AS1 (TLR8 antisense RNA 1; minus strand). Cytogenetic location: Xp22.2.
Variant type: single nucleotide variant.
Coding change: c.894C>T on transcript NM_138636.5 (MANE Select); coding-DNA position 894, C replaced by T.
Protein change: p.Ser298=; no amino-acid change (serine 298 retained).
Molecular consequence: synonymous variant.
Genome position (GRCh38, 1-based): chrX:12,919,934, C>T. VCF-style: chrX-12919934-C-T. GRCh37 (hg19) VCF-style: chrX-12938053-C-T.
Other names: c.948C>T, p.Ser316= (NM_016610.4).
Identifiers: ClinVar variation 3389521 (VCV003389521.14).